The following is an entry in ClinVar:

NM_000304.4(PMP22):c.448G>C (p.Gly150Arg)

Gene: PMP22 (peripheral myelin protein 22; minus strand). Cytogenetic location: 17p12.
Variant type: single nucleotide variant.
Coding change: c.448G>C on transcript NM_000304.4 (MANE Select); coding-DNA position 448, G replaced by C.
Protein change: p.Gly150Arg; replaces glycine 150 with arginine.
Molecular consequence: missense variant. On other transcripts: non-coding transcript variant (2).
Genome position (GRCh38, 1-based): chr17:15,230,952, C>G on the plus strand (G>C on the coding strand, the complement: PMP22 is on the minus strand). VCF-style: chr17-15230952-C-G. GRCh37 (hg19) VCF-style: chr17-15134269-C-G.
Other names: c.448G>C, p.Gly150Arg (NM_001281455.2, NM_001281456.2, NM_153321.3 and 1 more transcripts); short protein forms G150R.
Identifiers: ClinVar variation 384327 (VCV000384327.9), dbSNP rs104894624, ClinGen allele CA16607534.

ClinVar aggregate classification (germline): Pathogenic/Likely pathogenic. Review status: criteria provided, multiple submitters, no conflicts (2 of 4 stars). 3 submissions from 3 submitters: Pathogenic (2); Likely pathogenic (1). Last evaluated 2025-09-24.

Conditions:
Charcot-Marie-Tooth disease, type I (CMT1). Also called: Charcot-Marie-Tooth, Type 1; Charcot-Marie-Tooth disease type 1. Identifiers: Orphanet 65753, MedGen C0751036, MONDO:0019011.
Dejerine-Sottas disease. Also called: HEREDITARY MOTOR AND SENSORY NEUROPATHY TYPE III; HMSN Type III; Hereditary motor and sensory neuropathy 3; Charcot-Marie-Tooth disease type 3; DEJERINE-SOTTAS NEUROPATHY. Identifiers: Orphanet 64748, MedGen C0011195, MONDO:0007790, OMIM 145900.

Submissions (3):

GeneDx
Classification: Pathogenic. Last evaluated: 2025-09-24. Review status: criteria provided, single submitter. Criteria: GeneDx Variant Classification Process June 2021. Collection method: clinical testing. Allele origin: germline. Affected: yes.
Comment: Not observed at significant frequency in large population cohorts (gnomAD); In silico analysis supports that this missense variant has a deleterious effect on protein structure/function; This variant is associated with the following publications: (PMID: 26392352)

3billion
Classification: Likely pathogenic for Dejerine-Sottas disease. Last evaluated: 2023-12-19. Review status: criteria provided, single submitter. Criteria: ACMG Guidelines, 2015. Collection method: clinical testing. Allele origin: germline. Affected: yes.
Comment: The variant is not observed in the gnomAD v2.1.1 dataset. Predicted Consequence/Location: Missense variant In silico tool predictions suggest damaging effect of the variant on gene or gene product [REVEL: 0.96 (>=0.6, sensitivity 0.68 and specificity 0.92); 3Cnet: 0.98 (>=0.6, sensitivity 0.72 and precision 0.9)]. Same nucleotide change resulting in same amino acid change has been previously reported as pathogenic/likely pathogenic with strong evidence (ClinVar ID: VCV000384327 /PMID: 26392352). Different missense changes at the same codon (p.Gly150Asp, p.Gly150Cys, p.Gly150Val) have been reported as pathogenic/likely pathogenic with strong evidence (ClinVar ID: VCV000008439, VCV000245805, VCV000433198 /PMID: 28600779, 8995589, 9544841). Therefore, this variant is classified as Likely pathogenic according to the recommendation of ACMG/AMP guideline.

Labcorp Genetics (formerly Invitae), Labcorp
Classification: Pathogenic for Charcot-Marie-Tooth disease, type I. Last evaluated: 2023-04-24. Review status: criteria provided, single submitter. Criteria: Invitae Variant Classification Sherloc (09022015). Collection method: clinical testing. Allele origin: germline.
Comment: This variant disrupts the p.Gly150 amino acid residue in PMP22. Other variant(s) that disrupt this residue have been determined to be pathogenic (PMID: 8995589, 9425015, 10078969, 10982389, 15474367, 15537650, 18795802, 25385046, 26102530). This suggests that this residue is clinically significant, and that variants that disrupt this residue are likely to be disease-causing. This sequence change replaces glycine, which is neutral and non-polar, with arginine, which is basic and polar, at codon 150 of the PMP22 protein (p.Gly150Arg). This variant is not present in population databases (gnomAD no frequency). This missense change has been observed in individuals with Charcot-Marie-Tooth disease (PMID: 26392352; Invitae). ClinVar contains an entry for this variant (Variation ID: 384327). Advanced modeling of protein sequence and biophysical properties (such as structural, functional, and spatial information, amino acid conservation, physicochemical variation, residue mobility, and thermodynamic stability) performed at Invitae indicates that this missense variant is expected to disrupt PMP22 protein function. For these reasons, this variant has been classified as Pathogenic.

Literature cited by the submitters: PubMed 26392352 (cited by 3billion and Labcorp Genetics (formerly Invitae), Labcorp); PubMed 28600779 (cited by 3billion); PubMed 8995589 (cited by Labcorp Genetics (formerly Invitae), Labcorp); PubMed 9425015 (cited by Labcorp Genetics (formerly Invitae), Labcorp); PubMed 10078969 (cited by Labcorp Genetics (formerly Invitae), Labcorp); PubMed 10982389 (cited by Labcorp Genetics (formerly Invitae), Labcorp); PubMed 15474367 (cited by Labcorp Genetics (formerly Invitae), Labcorp); PubMed 15537650 (cited by Labcorp Genetics (formerly Invitae), Labcorp); PubMed 18795802 (cited by Labcorp Genetics (formerly Invitae), Labcorp); PubMed 25385046 (cited by Labcorp Genetics (formerly Invitae), Labcorp); PubMed 26102530 (cited by Labcorp Genetics (formerly Invitae), Labcorp).